The following is an entry in ClinVar:

ClinVar aggregate classification (germline): Pathogenic (1 of 4 stars; one submission).

Conditions:
Baller-Gerold syndrome (BGS). Also called: CRANIOSYNOSTOSIS WITH RADIAL DEFECTS. Identifiers: Orphanet 1225, MedGen C0265308, MONDO:0009039, OMIM 218600.

gnomAD v4.1: 2 of 1,612,328 alleles (0.00012%); highest among the groups gnomAD compares: Non-Finnish European, 0.00017%; no homozygotes.

Submission:

Labcorp Genetics (formerly Invitae), Labcorp
Classification: Pathogenic for Baller-Gerold syndrome. Last evaluated: 2022-10-24. Review status: criteria provided, single submitter. Criteria: Invitae Variant Classification Sherloc (09022015). Collection method: clinical testing. Allele origin: germline.
Comment: This sequence change creates a premature translational stop signal (p.Tyr105*) in the RECQL4 gene. It is expected to result in an absent or disrupted protein product. Loss-of-function variants in RECQL4 are known to be pathogenic (PMID: 12734318, 12952869). This variant is not present in population databases (gnomAD no frequency). This variant has not been reported in the literature in individuals affected with RECQL4-related conditions. ClinVar contains an entry for this variant (Variation ID: 643471). For these reasons, this variant has been classified as Pathogenic.

Literature cited by the submitters: PubMed 12734318; PubMed 12952869.

NM_004260.4(RECQL4):c.315C>G (p.Tyr105Ter)

Gene: RECQL4 (RecQ like helicase 4; minus strand). Cytogenetic location: 8q24.3.
Variant type: single nucleotide variant.
Coding change: c.315C>G on transcript NM_004260.4 (MANE Select); coding-DNA position 315, C replaced by G.
Protein change: p.Tyr105Ter; replaces tyrosine 105 with a stop codon.
Molecular consequence: nonsense.
Genome position (GRCh38, 1-based): chr8:144,517,089, G>C on the plus strand (C>G on the coding strand, the complement: RECQL4 is on the minus strand). VCF-style: chr8-144517089-G-C. GRCh37 (hg19) VCF-style: chr8-145742473-G-C.
Other names: short protein forms Y105*.
Identifiers: ClinVar variation 643471 (VCV000643471.5), dbSNP rs766643335, ClinGen allele CA372692026.